The following is an entry in ClinVar:

NM_021096.4(CACNA1I):c.5915G>C (p.Ser1972Thr)

Gene: CACNA1I (calcium voltage-gated channel subunit alpha1 I; plus strand). Cytogenetic location: 22q13.1.
Variant type: single nucleotide variant.
Coding change: c.5915G>C on transcript NM_021096.4 (MANE Select); coding-DNA position 5915, G replaced by C.
Protein change: p.Ser1972Thr; replaces serine 1972 with threonine.
Molecular consequence: missense variant.
Genome position (GRCh38, 1-based): chr22:39,684,386, G>C. VCF-style: chr22-39684386-G-C. GRCh37 (hg19) VCF-style: chr22-40080391-G-C.
Other names: c.5810G>C, p.Ser1937Thr (NM_001003406.2); short protein forms S1937T, S1972T.
Identifiers: ClinVar variation 3902038 (VCV003902038.1).

ClinVar aggregate classification (germline): Uncertain significance (1 of 4 stars; one submission).

Conditions:
Neurodevelopmental disorder with speech impairment and with or without seizures. Also called: Neurodevelopmental disorder with variable intellectual disability and speech impairment, with or without seizures. Identifiers: MedGen C5774252, MONDO:0859313, OMIM 620114.

Submission:

Laboratorio de Genetica e Diagnostico Molecular, Hospital Israelita Albert Einstein
Classification: Uncertain significance for Neurodevelopmental disorder with speech impairment and with or without seizures. Last evaluated: 2024-02-02. Review status: criteria provided, single submitter. Criteria: ACMG Guidelines, 2015. Collection method: clinical testing. Allele origin: germline. Affected: yes.
Comment: ACMG classification criteria: PM2 supporting, PP2 supporting, BP4 supporting